The following is an entry in ClinVar:

ClinVar aggregate classification (germline): Uncertain significance (1 of 4 stars; one submission).

Conditions:
Primary ciliary dyskinesia. Also called: Ciliary dyskinesia. Identifiers: Orphanet 244, MedGen C0008780, MONDO:0016575, HP:0012265.

Submission:

Labcorp Genetics (formerly Invitae), Labcorp
Classification: Uncertain significance for Primary ciliary dyskinesia. Last evaluated: 2022-11-01. Review status: criteria provided, single submitter. Criteria: Invitae Variant Classification Sherloc (09022015). Collection method: clinical testing. Allele origin: germline.
Comment: This sequence change replaces valine, which is neutral and non-polar, with methionine, which is neutral and non-polar, at codon 88 of the DNAAF3 protein (p.Val88Met). This variant is not present in population databases (gnomAD no frequency). This variant has not been reported in the literature in individuals affected with DNAAF3-related conditions. ClinVar contains an entry for this variant (Variation ID: 834422). Algorithms developed to predict the effect of missense changes on protein structure and function (SIFT, PolyPhen-2, Align-GVGD) all suggest that this variant is likely to be tolerated. In summary, the available evidence is currently insufficient to determine the role of this variant in disease. Therefore, it has been classified as a Variant of Uncertain Significance.

NM_001256715.2(DNAAF3):c.86-28G>A

Genes: DNAAF3 (dynein axonemal assembly factor 3; minus strand), DNAAF3-AS1 (DNAAF3 antisense RNA 1; plus strand). Cytogenetic location: 19q13.42.
Variant type: single nucleotide variant.
Coding change: c.86-28G>A on transcript NM_001256715.2 (MANE Select); 28 bases into the intron before coding-DNA position 86, G replaced by A.
Molecular consequence: intron variant. On other transcripts: missense variant (1).
Genome position (GRCh38, 1-based): chr19:55,166,028, C>T on the plus strand (G>A on the coding strand, the complement: DNAAF3 is on the minus strand). VCF-style: chr19-55166028-C-T. GRCh37 (hg19) VCF-style: chr19-55677396-C-T.
Other names: c.227-28G>A (NM_178837.4); c.-153-28G>A (NM_001256716.2); c.262G>A, p.Val88Met (NM_001256714.1); short protein forms V88M.
Identifiers: ClinVar variation 834422 (VCV000834422.10), dbSNP rs2085932710, ClinGen allele CA407462028.